The following is an entry in ClinVar:

ClinVar aggregate classification (germline): Uncertain significance (1 of 4 stars; one submission).

gnomAD v4.1: 10 of 1,194,354 alleles (0.00084%); highest among the groups gnomAD compares: East Asian, 0.009%; no homozygotes.

Submission:

Dasa
Classification: Uncertain significance. Last evaluated: 2025-07-23. Review status: criteria provided, single submitter. Criteria: DASA Assertion Criteria. Collection method: clinical testing. Allele origin: germline.
Comment: NM_144658.4(DOCK11):c.2263+4C>T is a splice-region variant. This variant is rare in population databases. Computational prediction algorithms are consistent with a benign effect. The currently available literature and clinical evidence are not sufficient to establish a definitive association between this variant and the reported condition. Therefore, this variant is classified as a variant of uncertain significance.

NM_144658.4(DOCK11):c.2263+4C>T

Gene: DOCK11 (dedicator of cytokinesis 11; plus strand). Cytogenetic location: Xq24.
Variant type: single nucleotide variant.
Coding change: c.2263+4C>T on transcript NM_144658.4 (MANE Select); 4 bases into the intron after coding-DNA position 2263, C replaced by T.
Molecular consequence: intron variant.
Genome position (GRCh38, 1-based): chrX:118,593,341, C>T. VCF-style: chrX-118593341-C-T. GRCh37 (hg19) VCF-style: chrX-117727304-C-T.
Identifiers: ClinVar variation 4882344 (VCV004882344.2).